The following is an entry in ClinVar:

NM_000059.4(BRCA2):c.1369_1389delinsGTAG (p.Lys457fs)

Gene: BRCA2 (BRCA2 DNA repair associated; plus strand). Cytogenetic location: 13q13.1.
Variant type: Indel.
Coding change: c.1369_1389delinsGTAG on transcript NM_000059.4 (MANE Select); coding-DNA positions 1369 to 1389, AAGCCATTAAATGAGGAAACA replaced by GTAG.
Protein change: p.Lys457fs; shifts the reading frame from lysine 457.
Molecular consequence: frameshift variant.
Genome position (GRCh38, 1-based): chr13:32,332,847-32,332,867, AAGCCATTAAATGAGGAAACA replaced by GTAG. VCF-style: chr13-32332847-AAGCCATTAAATGAGGAAACA-GTAG. GRCh37 (hg19) VCF-style: chr13-32906984-AAGCCATTAAATGAGGAAACA-GTAG.
Other names: c.1369_1389del21insGTAG, p.Lys457Valfs (NM_001406719.1, NM_001406720.1, NM_001406721.1); short protein forms K457fs.
Identifiers: ClinVar variation 2032381 (VCV002032381.5), dbSNP rs2548520142, ClinGen allele CA2580087001.

ClinVar aggregate classification (germline): Pathogenic. Review status: criteria provided, multiple submitters, no conflicts (2 of 4 stars). 2 submissions from 2 submitters: Pathogenic (2). Last evaluated 2025-08-15.

Conditions:
Hereditary cancer-predisposing syndrome. Also called: Hereditary Cancer Syndrome; Neoplastic Syndromes, Hereditary; Hereditary neoplastic syndrome; Tumor predisposition. Identifiers: Orphanet 140162, MedGen C0027672, MeSH D009386, MONDO:0015356.
Hereditary breast ovarian cancer syndrome. Also called: Hereditary breast and/or ovarian cancer syndrome; BRCA1- and BRCA2-Associated Hereditary Breast and Ovarian Cancer; Breast and ovarian cancer; Hereditary breast and ovarian cancer; Hereditary breast and ovarian cancer syndrome (HBOC); Hereditary breast and ovarian cancer syndrome. Identifiers: Orphanet 145, MedGen C0677776, MeSH D061325, MONDO:0003582. Disease mechanism: loss of function.

Submissions (2):

Ambry Genetics
Classification: Pathogenic for Hereditary cancer-predisposing syndrome. Last evaluated: 2025-08-15. Review status: criteria provided, single submitter. Criteria: Ambry Variant Classification Scheme 2023. Collection method: clinical testing. Allele origin: germline.
Comment: The c.1369_1389del21insGTAG pathogenic mutation, located in coding exon 9 of the BRCA2 gene, results from the deletion of 21 nucleotides and insertion of 4 nucleotides causing a translational frameshift with a predicted alternate stop codon (p.K457Vfs*5). This variant is considered to be rare based on population cohorts in the Genome Aggregation Database (gnomAD). This alteration is expected to result in loss of function by premature protein truncation or nonsense-mediated mRNA decay. As such, this alteration is interpreted as a disease-causing mutation.

Labcorp Genetics (formerly Invitae), Labcorp
Classification: Pathogenic for Hereditary breast ovarian cancer syndrome. Last evaluated: 2024-03-08. Review status: criteria provided, single submitter. Criteria: Invitae Variant Classification Sherloc (09022015). Collection method: clinical testing. Allele origin: germline.
Comment: This sequence change creates a premature translational stop signal (p.Lys457Valfs*5) in the BRCA2 gene. It is expected to result in an absent or disrupted protein product. Loss-of-function variants in BRCA2 are known to be pathogenic (PMID: 20104584). Information on the frequency of this variant in the gnomAD database is not available, as this variant may be reported differently in the database. This variant has not been reported in the literature in individuals affected with BRCA2-related conditions. For these reasons, this variant has been classified as Pathogenic.

Literature cited by the submitters: PubMed 20104584 (cited by Labcorp Genetics (formerly Invitae), Labcorp).